The following is an entry in ClinVar:

ClinVar aggregate classification (germline): Likely pathogenic (1 of 4 stars; one submission).

Submission:

Labcorp Genetics (formerly Invitae), Labcorp
Classification: Likely pathogenic. Last evaluated: 2024-02-24. Review status: criteria provided, single submitter. Criteria: Invitae Variant Classification Sherloc (09022015). Collection method: clinical testing. Allele origin: germline.
Comment: This sequence change replaces valine, which is neutral and non-polar, with glutamic acid, which is acidic and polar, at codon 86 of the BEST1 protein (p.Val86Glu). This variant is not present in population databases (gnomAD no frequency). This variant has not been reported in the literature in individuals affected with BEST1-related conditions. ClinVar contains an entry for this variant (Variation ID: 1468481). Advanced modeling of protein sequence and biophysical properties (such as structural, functional, and spatial information, amino acid conservation, physicochemical variation, residue mobility, and thermodynamic stability) performed at Invitae indicates that this missense variant is expected to disrupt BEST1 protein function with a positive predictive value of 95%. This variant disrupts the p.Val86 amino acid residue in BEST1. Other variant(s) that disrupt this residue have been determined to be pathogenic (PMID: 15452077, 24560797). This suggests that this residue is clinically significant, and that variants that disrupt this residue are likely to be disease-causing. In summary, the currently available evidence indicates that the variant is pathogenic, but additional data are needed to prove that conclusively. Therefore, this variant has been classified as Likely Pathogenic.

Literature cited by the submitters: PubMed 15452077; PubMed 24560797.

NM_004183.4(BEST1):c.257T>A (p.Val86Glu)

Gene: BEST1 (bestrophin 1; plus strand). Cytogenetic location: 11q12.3.
Variant type: single nucleotide variant.
Coding change: c.257T>A on transcript NM_004183.4 (MANE Select); coding-DNA position 257, T replaced by A.
Protein change: p.Val86Glu; replaces valine 86 with glutamic acid.
Molecular consequence: missense variant. On other transcripts: non-coding transcript variant (1).
Genome position (GRCh38, 1-based): chr11:61,955,727, T>A. VCF-style: chr11-61955727-T-A. GRCh37 (hg19) VCF-style: chr11-61723199-T-A.
Other names: c.77T>A, p.Val26Glu (NM_001139443.3, NM_001300786.2, NM_001300787.2); c.-62T>A (NM_001363591.3); c.257T>A, p.Val86Glu (NM_001363592.2); c.-919T>A (NM_001363593.3); short protein forms V26E, V86E.
Identifiers: ClinVar variation 1468481 (VCV001468481.6), dbSNP rs2134429825, ClinGen allele CA380833958.